The following is an entry in ClinVar:

ClinVar aggregate classification (germline): Uncertain significance (1 of 4 stars; one submission).

Allele frequency attached by ClinVar (database versions not stated): gnomAD exomes below 0.00001.
gnomAD v4.1: 1 of 1,595,058 alleles (0.000063%); highest among the groups gnomAD compares: Admixed American, 0.0017%; no homozygotes.

Submission:

GeneDx
Classification: Uncertain significance. Last evaluated: 2019-09-10. Review status: criteria provided, single submitter. Criteria: GeneDx Variant Classification Process June 2021. Collection method: clinical testing. Allele origin: germline. Affected: yes.
Comment: Not observed at a significant frequency in large population cohorts (Lek et al., 2016); In silico analysis, which includes protein predictors and evolutionary conservation, supports a deleterious effect; Has not been previously published as pathogenic or benign to our knowledge

NM_004456.5(EZH2):c.343C>G (p.Pro115Ala)

Gene: EZH2 (enhancer of zeste 2 polycomb repressive complex 2 subunit; minus strand). Cytogenetic location: 7q36.1.
Variant type: single nucleotide variant.
Coding change: c.343C>G on transcript NM_004456.5 (MANE Select); coding-DNA position 343, C replaced by G.
Protein change: p.Pro115Ala; replaces proline 115 with alanine.
Molecular consequence: missense variant. On other transcripts: intron variant (1).
Genome position (GRCh38, 1-based): chr7:148,832,654, G>C on the plus strand (C>G on the coding strand, the complement: EZH2 is on the minus strand). VCF-style: chr7-148832654-G-C. GRCh37 (hg19) VCF-style: chr7-148529746-G-C.
Other names: c.343C>G, p.Pro115Ala (NM_001203247.2); c.316C>G, p.Pro106Ala (NM_001203248.2, NM_001203249.2); c.247-2806C>G (NM_152998.3); short protein forms P106A, P115A.
Identifiers: ClinVar variation 1312083 (VCV001312083.2), dbSNP rs1324786734, ClinGen allele CA369707131.